The following is an entry in ClinVar:

NM_001040142.2(SCN2A):c.4437del (p.Lys1481fs)

Gene: SCN2A (sodium voltage-gated channel alpha subunit 2; plus strand). Cytogenetic location: 2q24.3.
Variant type: Deletion.
Coding change: c.4437del on transcript NM_001040142.2 (MANE Select); coding-DNA position 4437, one base deleted (G; older notation c.4437delG).
Protein change: p.Lys1481fs; shifts the reading frame from lysine 1481.
Molecular consequence: frameshift variant.
Genome position (GRCh38, 1-based): chr2:165,380,720, G deleted. VCF-style (leftmost placement, unchanged base first): chr2-165380719-AG-A. GRCh37 (hg19) VCF-style: chr2-166237229-AG-A.
Other names: c.4437del, p.Lys1481fs (NM_001040143.2, NM_001371246.1, NM_001371247.1 and 1 more transcripts); short protein forms K1481fs.
Identifiers: ClinVar variation 2951305 (VCV002951305.3), dbSNP rs2468126735, ClinGen allele CA2740095815.

ClinVar aggregate classification (germline): Pathogenic (1 of 4 stars; one submission).

Conditions:
Developmental and epileptic encephalopathy, 11 (DEE11). Also called: Early infantile epileptic encephalopathy 11. Identifiers: Orphanet 1934, MedGen C3150987, MONDO:0013388, OMIM 613721.
Seizures, benign familial infantile, 3 (BFIS3). Also called: Familial neonatal seizures; CONVULSIONS, BENIGN FAMILIAL INFANTILE, 3. Identifiers: Orphanet 140927, Orphanet 306, MedGen C1843140, MONDO:0011904, OMIM 607745.

Submission:

Labcorp Genetics (formerly Invitae), Labcorp
Classification: Pathogenic for Seizures, benign familial infantile, 3; Developmental and epileptic encephalopathy, 11. Last evaluated: 2023-08-27. Review status: criteria provided, single submitter. Criteria: Invitae Variant Classification Sherloc (09022015). Collection method: clinical testing. Allele origin: germline.
Comment: For these reasons, this variant has been classified as Pathogenic. This variant has not been reported in the literature in individuals affected with SCN2A-related conditions. This variant is not present in population databases (gnomAD no frequency). This sequence change creates a premature translational stop signal (p.Lys1481Argfs*10) in the SCN2A gene. It is expected to result in an absent or disrupted protein product. Loss-of-function variants in SCN2A are known to be pathogenic (PMID: 28379373).

Literature cited by the submitters: PubMed 28379373.